The following is an entry in ClinVar:

ClinVar aggregate classification (germline): Conflicting classifications of pathogenicity. Review status: criteria provided, conflicting classifications (1 of 4 stars). 8 submissions from 8 submitters: Pathogenic (2); Likely pathogenic (3); Uncertain significance (3). Last evaluated 2026-08-04.

Conditions:
Hyperkalemic periodic paralysis. Also called: Familial hyperkalemic periodic paralysis; Gamstorp disease. Identifiers: Orphanet 682, MedGen C0238357, MONDO:0008224, OMIM 170500, HP:0007215.
SCN4A-related disorder. Also called: SCN4A-related disorders.

Allele frequency attached by ClinVar (database versions not stated): gnomAD exomes below 0.00001; gnomAD 0.00001; TOPMed 0.00002.

Submissions (8):

PreventionGenetics, part of Exact Sciences
Classification: Likely pathogenic for SCN4A-related condition. Last evaluated: 2026-08-04. Review status: criteria provided, single submitter. Criteria: ACMG Guidelines, 2015. Collection method: clinical testing. Allele origin: germline.
Comment: The SCN4A c.4484T>C variant is predicted to result in the amino acid substitution p.Ile1495Thr. The p.Ile1495Thr change has been reported in at least one individual with suspected hyperkalemic periodic paralysis (Charles et al. 2013. PubMed ID: 23884711); however, additional patient and genetic information is not provided. At PreventionGenetics, we previously detected this variant in the heterozygous state in individuals who presented with periodic paralysis (PreventionGenetics, internal data). This variant is absent from a large population database, indicating this variant is rare. Other variants affecting the same amino acid position, c.4483A>T, (p.Ile1495Phe) and c. 4483A>G, p.(Ile1495Val), have been reported in two individuals with hyperkalemic periodic paralysis (Bendahhou et al. 1999. PubMed ID: 10366610; Quiroga-Carrillo et al. 2020. PubMed ID: 33123387). Given the evidence, this variant is interpreted as likely pathogenic.

Women's Health and Genetics/Laboratory Corporation of America, LabCorp
Classification: Pathogenic for Hyperkalemic periodic paralysis. Last evaluated: 2026-06-16. Review status: criteria provided, single submitter. Criteria: LabCorp Variant Classification Summary - May 2015. Collection method: clinical testing. Allele origin: germline.
Comment: Variant summary: SCN4A c.4484T>C (p.Ile1495Thr) results in a non-conservative amino acid change in the encoded protein sequence. Algorithms developed to predict the effect of missense changes on protein structure and function all suggest that this variant is likely to be disruptive. The variant was absent in 251164 control chromosomes. c.4484T>C has been observed in multiple individuals affected with Periodic Hyperkalemic Paralysis (Charles_2013, internal data). These data indicate that the variant is very likely to be associated with disease. To our knowledge, no experimental evidence demonstrating an impact on protein function has been reported. The following publication has been ascertained in the context of this evaluation (PMID: 23884711). ClinVar contains an entry for this variant (Variation ID: 654042). Based on the evidence outlined above, the variant was classified as pathogenic.

Labcorp Genetics (formerly Invitae), Labcorp
Classification: Pathogenic for Hyperkalemic periodic paralysis. Last evaluated: 2025-10-26. Review status: criteria provided, single submitter. Criteria: Invitae Variant Classification Sherloc (09022015). Collection method: clinical testing. Allele origin: germline.
Comment: This sequence change replaces isoleucine, which is neutral and non-polar, with threonine, which is neutral and polar, at codon 1495 of the SCN4A protein (p.Ile1495Thr). This variant is not present in population databases (gnomAD no frequency). This missense change has been observed in individuals with clinical features of autosomal dominant periodic paralysis (PMID: 23884711; internal data). ClinVar contains an entry for this variant (Variation ID: 654042). Invitae Evidence Modeling of protein sequence and biophysical properties (such as structural, functional, and spatial information, amino acid conservation, physicochemical variation, residue mobility, and thermodynamic stability) indicates that this missense variant is expected to disrupt SCN4A protein function with a positive predictive value of 80%. This variant disrupts the p.Ile1495 amino acid residue in SCN4A. Other variant(s) that disrupt this residue have been observed in individuals with SCN4A-related conditions (PMID: 10366610, 33123387), which suggests that this may be a clinically significant amino acid residue. For these reasons, this variant has been classified as Pathogenic.

GeneDx
Classification: Likely pathogenic. Last evaluated: 2025-10-08. Review status: criteria provided, single submitter. Criteria: GeneDx Variant Classification Process June 2021. Collection method: clinical testing. Allele origin: germline. Affected: yes.
Comment: Observed in an individual with hyperkalemic periodic paralysis, but no additional information was provided (PMID: 23884711); Not observed at significant frequency in large population cohorts (gnomAD); In silico analysis supports that this missense variant has a deleterious effect on protein structure/function; This variant is associated with the following publications: (PMID: 23884711, 10366610)

Variantyx, Inc.
Classification: Likely pathogenic for Hyperkalemic periodic paralysis. Last evaluated: 2025-05-27. Review status: criteria provided, single submitter. Criteria: Variantyx Assertion Criteria 2022. Collection method: clinical testing. Allele origin: germline. Inheritance: Autosomal dominant inheritance. Affected: yes.
Comment: This is a nonsynonymous variant in the SCN4A gene (OMIM: 603967). Pathogenic variants in this gene have been associated with autosomal dominant hyperkalemic periodic paralysis. This variant has been reported in at least 7 unrelated affected individuals (PMID: 26865514, 23884711, Invitae internal data) (PS4_Moderate). Multiple computational algorithms predict a deleterious effect for this variant (REVEL score: 0.941) (PP3), and alternate amino acid changes at this position (p.I1495V, p.I1495F) have been previously reported in similarly affected individuals, which suggests that this residue is biologically important (PMID: 10366610, 33123387) (PM5_Supporting). This variant has a 0.0007% maximum allele frequency in non-founder control populations (PM2). Based on the current evidence, this variant is classified as likely pathogenic for autosomal dominant hyperkalemic periodic paralysis.

Greenwood Genetic Center Diagnostic Laboratories, Greenwood Genetic Center
Classification: Uncertain significance. Last evaluated: 2025-01-08. Review status: criteria provided, single submitter. Criteria: ACMG Guidelines, 2015. Collection method: clinical testing. Allele origin: germline.
Comment: PM2, PM5_Supporting, PP3

Athena Diagnostics
Classification: Uncertain significance. Last evaluated: 2023-06-26. Review status: criteria provided, single submitter. Criteria: Athena Diagnostics Criteria. Collection method: clinical testing. Allele origin: unknown.
Comment: Available data are insufficient to determine the clinical significance of the variant at this time. This variant is statistically more frequent in patients than in the general population. This variant has been identified in multiple individuals with clinical features associated with this gene. At least one other missense variant at this codon is considered to be pathogenic or likely pathogenic, suggesting this variant may also cause disease. This variant has been seen where an alternate explanation for disease was also identified, suggesting this variant may not cause disease. Computational tools disagree on the variant's effect on normal protein function.

Revvity Omics, Revvity
Classification: Uncertain significance. Last evaluated: 2019-03-06. Review status: criteria provided, single submitter. Criteria: ACMG Guidelines, 2015. Collection method: clinical testing. Allele origin: germline.

Literature cited by the submitters: PubMed 23884711 (cited by 4 submitters); PubMed 10366610 (cited by Labcorp Genetics (formerly Invitae), Labcorp and Variantyx, Inc.); PubMed 33123387 (cited by Labcorp Genetics (formerly Invitae), Labcorp and Variantyx, Inc.); PubMed 26865514 (cited by Variantyx, Inc. and Athena Diagnostics).

NM_000334.4(SCN4A):c.4484T>C (p.Ile1495Thr)

Genes: GH-LCR (growth hormone locus control region; plus strand), SCN4A (sodium voltage-gated channel alpha subunit 4; minus strand). Cytogenetic location: 17q23.3.
Variant type: single nucleotide variant.
Coding change: c.4484T>C on transcript NM_000334.4 (MANE Select); coding-DNA position 4484, T replaced by C.
Protein change: p.Ile1495Thr; replaces isoleucine 1495 with threonine.
Molecular consequence: missense variant.
Genome position (GRCh38, 1-based): chr17:63,941,798, A>G on the plus strand (T>C on the coding strand, the complement: SCN4A is on the minus strand). VCF-style: chr17-63941798-A-G. GRCh37 (hg19) VCF-style: chr17-62019158-A-G.
Other names: short protein forms I1495T.
Identifiers: ClinVar variation 654042 (VCV000654042.23), dbSNP rs1318966106, ClinGen allele CA400615926.